The following is an entry in ClinVar:

NM_000051.4(ATM):c.6573-16A>G

Genes: ATM (ATM serine/threonine kinase; plus strand), C11orf65 (chromosome 11 open reading frame 65; minus strand). Cytogenetic location: 11q22.3.
Variant type: single nucleotide variant.
Coding change: c.6573-16A>G on transcript NM_000051.4 (MANE Select); 16 bases into the intron before coding-DNA position 6573, A replaced by G.
Molecular consequence: intron variant.
Genome position (GRCh38, 1-based): chr11:108,325,294, A>G. VCF-style: chr11-108325294-A-G. GRCh37 (hg19) VCF-style: chr11-108196021-A-G.
Other names: c.6573-16A>G (NM_001351834.2); c.641-16223T>C (NM_001330368.2); c.*38+9926T>C (NM_001351110.2).
Identifiers: ClinVar variation 254754 (VCV000254754.18), dbSNP rs764506673, ClinGen allele CA6265982.

ClinVar aggregate classification (germline): Benign/Likely benign. Review status: criteria provided, multiple submitters, no conflicts (2 of 4 stars). 7 submissions from 7 submitters: Benign (2); Likely benign (5). Last evaluated 2026-02-02.

Conditions:
Hereditary cancer-predisposing syndrome. Also called: Neoplastic Syndromes, Hereditary; Hereditary neoplastic syndrome; Tumor predisposition; Hereditary Cancer Syndrome. Identifiers: Orphanet 140162, MedGen C0027672, MeSH D009386, MONDO:0015356.
Ataxia-telangiectasia syndrome (AT). Also called: Ataxia telangiectasia (A-T); Cerebello-oculocutaneous telangiectasia; Immunodeficiency with ataxia telangiectasia; LOUIS-BAR SYNDROME; AT, COMPLEMENTATION GROUP C; ATAXIA-TELANGIECTASIA, FRESNO VARIANT. Identifiers: Orphanet 100, MedGen C0004135, MONDO:0008840, OMIM 208900.
Familial cancer of breast. Also called: hereditary breast carcinoma; Hereditary breast cancer; BREAST CANCER, FAMILIAL. Identifiers: Orphanet 227535, MedGen C0346153, MONDO:0016419, OMIM 114480. Disease mechanism: loss of function.

Allele frequency attached by ClinVar (database versions not stated): gnomAD 0.00005; gnomAD exomes 0.00006 and 0.00002; ExAC 0.00007.
gnomAD v4.1: 28 of 1,200,542 alleles (0.0023%); highest among the groups gnomAD compares: Admixed American, 0.023%; no homozygotes.

Submissions (7):

Labcorp Genetics (formerly Invitae), Labcorp
Classification: Likely benign for Ataxia-telangiectasia syndrome. Last evaluated: 2026-02-02. Review status: criteria provided, single submitter. Criteria: Invitae Variant Classification Sherloc (09022015). Collection method: clinical testing. Allele origin: germline.

Center for Genomic Medicine, Rigshospitalet, Copenhagen University Hospital
Classification: Likely benign. Last evaluated: 2025-12-29. Review status: criteria provided, single submitter. Criteria: ACMG Guidelines, 2015. Collection method: clinical testing. Allele origin: germline.

Myriad Genetics, Inc.
Classification: Benign for Familial cancer of breast. Last evaluated: 2024-06-07. Review status: criteria provided, single submitter. Criteria: Myriad Autosomal Dominant, Autosomal Recessive and X-Linked Classification Criteria (2023). Collection method: clinical testing. Allele origin: unknown.
Comment: This variant is considered benign. This variant is intronic and is not expected to impact mRNA splicing. This variant is strongly associated with less severe personal and family histories of cancer, typical for individuals without pathogenic variants in this gene [PMID: 25085752].

Color Diagnostics, LLC DBA Color Health
Classification: Likely benign for Hereditary cancer-predisposing syndrome. Last evaluated: 2016-06-20. Review status: criteria provided, single submitter. Criteria: ACMG Guidelines, 2015. Collection method: clinical testing. Allele origin: germline.

Ambry Genetics
Classification: Likely benign for Hereditary cancer-predisposing syndrome. Last evaluated: 2015-11-20. Review status: criteria provided, single submitter. Criteria: Ambry Variant Classification Scheme 2023. Collection method: clinical testing. Allele origin: germline.

GeneDx
Classification: Benign. Last evaluated: 2015-03-03. Review status: criteria provided, single submitter. Criteria: GeneDx Variant Classification Process June 2021. Collection method: clinical testing. Allele origin: germline. Affected: yes.

PreventionGenetics, part of Exact Sciences
Classification: Likely benign. Review status: criteria provided, single submitter. Criteria: ACMG Guidelines, 2015. Collection method: clinical testing. Allele origin: germline.

Literature cited by the submitters: PubMed 25085752 (cited by Myriad Genetics, Inc.).